The following is an entry in ClinVar:

ClinVar aggregate classification (germline): Likely benign. Review status: criteria provided, multiple submitters, no conflicts (2 of 4 stars). 2 submissions from 2 submitters: Likely benign (2). Last evaluated 2022-06-13.

Allele frequency attached by ClinVar (database versions not stated): ExAC 0.00001; gnomAD exomes 0.00003 and 0.00006; TOPMed 0.00003; gnomAD 0.00005.
gnomAD v4.1: 96 of 1,613,498 alleles (0.0059%); highest among the groups gnomAD compares: Admixed American, 0.012%; no homozygotes.

Submissions (2):

Labcorp Genetics (formerly Invitae), Labcorp
Classification: Likely benign. Last evaluated: 2022-06-13. Review status: criteria provided, single submitter. Criteria: Invitae Variant Classification Sherloc (09022015). Collection method: clinical testing. Allele origin: germline.

GeneDx
Classification: Likely benign. Last evaluated: 2017-10-20. Review status: criteria provided, single submitter. Criteria: GeneDx Variant Classification (06012015). Collection method: clinical testing. Allele origin: germline. Affected: yes.
Comment: This variant is considered likely benign or benign based on one or more of the following criteria: it is a conservative change, it occurs at a poorly conserved position in the protein, it is predicted to be benign by multiple in silico algorithms, and/or has population frequency not consistent with disease.

NM_002496.4(NDUFS8):c.110-11C>T

Genes: MIR7113 (microRNA 7113; plus strand), NDUFS8 (NADH:ubiquinone oxidoreductase core subunit S8; plus strand). Cytogenetic location: 11q13.2.
Variant type: single nucleotide variant.
Coding change: c.110-11C>T on transcript NM_002496.4 (MANE Select); 11 bases into the intron before coding-DNA position 110, C replaced by T.
Molecular consequence: intron variant. On other transcripts: non-coding transcript variant (1).
Genome position (GRCh38, 1-based): chr11:68,032,912, C>T. VCF-style: chr11-68032912-C-T. GRCh37 (hg19) VCF-style: chr11-67800379-C-T.
Identifiers: ClinVar variation 383040 (VCV000383040.5), dbSNP rs762778582, ClinGen allele CA6146378.